The following is an entry in ClinVar:

NM_015409.5(EP400):c.1323T>C (p.Val441=)

Gene: EP400 (E1A binding protein p400; plus strand). Cytogenetic location: 12q24.33.
Variant type: single nucleotide variant.
Coding change: c.1323T>C on transcript NM_015409.5 (MANE Select); coding-DNA position 1323, T replaced by C.
Protein change: p.Val441=; no amino-acid change (valine 441 retained).
Molecular consequence: synonymous variant.
Genome position (GRCh38, 1-based): chr12:131,961,942, T>C. VCF-style: chr12-131961942-T-C. GRCh37 (hg19) VCF-style: chr12-132446487-T-C.
Identifiers: ClinVar variation 3054659 (VCV003054659.2), dbSNP rs1329649668, ClinGen allele CA482842887.

ClinVar aggregate classification (germline): Likely benign (0 of 4 stars; one submission).

Conditions:
EP400-related disorder. Also called: EP400-related condition.

Allele frequency attached by ClinVar (database versions not stated): TOPMed 0.00001.

Submission:

PreventionGenetics, part of Exact Sciences
Classification: Likely benign for EP400-related condition. Last evaluated: 2021-05-18. Review status: no assertion criteria provided. Collection method: clinical testing. Allele origin: germline.
Comment: This variant is classified as likely benign based on ACMG/AMP sequence variant interpretation guidelines (Richards et al. 2015 PMID: 25741868, with internal and published modifications).